The following is an entry in ClinVar:

NM_152703.5(SAMD9L):c.1061C>A (p.Ala354Asp)

Gene: SAMD9L (sterile alpha motif domain containing 9 like; minus strand). Cytogenetic location: 7q21.2.
Variant type: single nucleotide variant.
Coding change: c.1061C>A on transcript NM_152703.5 (MANE Select); coding-DNA position 1061, C replaced by A.
Protein change: p.Ala354Asp; replaces alanine 354 with aspartic acid.
Molecular consequence: missense variant.
Genome position (GRCh38, 1-based): chr7:93,134,911, G>T on the plus strand (C>A on the coding strand, the complement: SAMD9L is on the minus strand). VCF-style: chr7-93134911-G-T. GRCh37 (hg19) VCF-style: chr7-92764224-G-T.
Other names: c.1061C>A, p.Ala354Asp (NM_001303496.3, NM_001303497.3, NM_001303498.3 and 5 more transcripts); short protein forms A354D.
Identifiers: ClinVar variation 1473402 (VCV001473402.6), dbSNP rs912280663, ClinGen allele CA368199011.

ClinVar aggregate classification (germline): Uncertain significance (1 of 4 stars; one submission).

Submission:

Labcorp Genetics (formerly Invitae), Labcorp
Classification: Uncertain significance. Last evaluated: 2021-05-05. Review status: criteria provided, single submitter. Criteria: Invitae Variant Classification Sherloc (09022015). Collection method: clinical testing. Allele origin: germline.
Comment: Algorithms developed to predict the effect of missense changes on protein structure and function are either unavailable or do not agree on the potential impact of this missense change (SIFT: "Not Available"; PolyPhen-2: "Possibly Damaging"; Align-GVGD: "Not Available"). This variant has not been reported in the literature in individuals with SAMD9L-related conditions. This variant is not present in population databases (ExAC no frequency). This sequence change replaces alanine with aspartic acid at codon 354 of the SAMD9L protein (p.Ala354Asp). The alanine residue is weakly conserved and there is a moderate physicochemical difference between alanine and aspartic acid. In summary, the available evidence is currently insufficient to determine the role of this variant in disease. Therefore, it has been classified as a Variant of Uncertain Significance.